The following is an entry in ClinVar:

ClinVar aggregate classification (germline): Pathogenic. Review status: criteria provided, multiple submitters, no conflicts (2 of 4 stars). 2 submissions from 2 submitters: Pathogenic (2). Last evaluated 2022-11-29.

Conditions:
Duchenne muscular dystrophy (DMD). Also called: MUSCULAR DYSTROPHY, PSEUDOHYPERTROPHIC PROGRESSIVE, DUCHENNE TYPE; Duchenne Muscular Dystrophy (DMD). Identifiers: Orphanet 98896, MedGen C0013264, MONDO:0010679, OMIM 310200.

Submissions (2):

Revvity Omics, Revvity
Classification: Pathogenic. Last evaluated: 2022-11-29. Review status: criteria provided, single submitter. Criteria: ACMG Guidelines, 2015. Collection method: clinical testing. Allele origin: germline.

Athena Diagnostics
Classification: Pathogenic for Duchenne muscular dystrophy. Last evaluated: 2012-06-30. Review status: criteria provided, single submitter. Criteria: Athena Diagnostics Criteria. Collection method: clinical testing. Allele origin: germline. Inheritance: X-linked recessive inheritance.
Comment: X-linked recessive inheritance

Literature cited by the submitters: PubMed 15351422 (cited by Athena Diagnostics).

NM_004006.3(DMD):c.3427C>T (p.Gln1143Ter)

Gene: DMD (dystrophin; minus strand). Cytogenetic location: Xp21.1.
Variant type: single nucleotide variant.
Coding change: c.3427C>T on transcript NM_004006.3 (MANE Select); coding-DNA position 3427, C replaced by T.
Protein change: p.Gln1143Ter; replaces glutamine 1143 with a stop codon.
Molecular consequence: nonsense.
Genome position (GRCh38, 1-based): chrX:32,463,444, G>A on the plus strand (C>T on the coding strand, the complement: DMD is on the minus strand). VCF-style: chrX-32463444-G-A. GRCh37 (hg19) VCF-style: chrX-32481561-G-A.
Other names: c.3403C>T, p.Gln1135Ter (NM_000109.4); c.3415C>T, p.Gln1139Ter (NM_004009.3); c.3058C>T, p.Gln1020Ter (NM_004010.3); short protein forms Q1143*, Q1135*, Q1139*, Q1020*.
Identifiers: ClinVar variation 217193 (VCV000217193.5), dbSNP rs863224993, ClinGen allele CA347507.
Genomic context (GRCh38, chrX:32,463,444, plus strand): 5'-GGAAATCTTAGTTAAGTACGTTGAGGCAAGCCACAGTGAAAGAGATTGTCTATACCTGTT[G>A]GCACATGTGATCCCACTGAGTGTTAAGTTCTTTGAGTTCTGTCTCAAGTCTCGAAGCAAA-3'